The following is an entry in ClinVar:

NM_031907.3(USP26):c.20G>A (p.Arg7His)

Gene: USP26 (ubiquitin specific peptidase 26; minus strand). Cytogenetic location: Xq26.2.
Variant type: single nucleotide variant.
Coding change: c.20G>A on transcript NM_031907.3 (MANE Select); coding-DNA position 20, G replaced by A.
Protein change: p.Arg7His; replaces arginine 7 with histidine.
Molecular consequence: missense variant.
Genome position (GRCh38, 1-based): chrX:133,028,201, C>T on the plus strand (G>A on the coding strand, the complement: USP26 is on the minus strand). VCF-style: chrX-133028201-C-T. GRCh37 (hg19) VCF-style: chrX-132162229-C-T.
Other names: c.20G>A (NM_031907.1); short protein forms R7H.
Identifiers: ClinVar variation 1206344 (VCV001206344.27), dbSNP rs192465138, ClinGen allele CA10520062.

ClinVar aggregate classification (germline): Likely benign. Review status: criteria provided, multiple submitters, no conflicts (2 of 4 stars). 4 submissions from 4 submitters: Likely benign (2). 2 of the submissions do not count toward it. Last evaluated 2024-05-01.

Allele frequency attached by ClinVar (database versions not stated): TOPMed 0.00002; gnomAD 0.00003 and 0.00002; gnomAD exomes 0.00003 and 0.00005; ESP Exome Variant Server 0.00010; 1000 Genomes Project 30x 0.00021; 1000 Genomes Project 0.00026; ExAC 0.00002.

Submissions (4):

Ambry Genetics
Classification: Likely benign. Last evaluated: 2024-05-01. Review status: criteria provided, single submitter. Criteria: Ambry Variant Classification Scheme 2023. Collection method: clinical testing. Allele origin: germline.

CeGaT Center for Human Genetics Tuebingen
Classification: Likely benign. Last evaluated: 2022-12-01. Review status: criteria provided, single submitter. Criteria: CeGaT Center For Human Genetics Tuebingen Variant Classification Criteria Version 2. Collection method: clinical testing. Allele origin: germline. Affected: yes. Observed: 1 variant allele.
Comment: USP26: BP4, BS2

Clinical Genetics DNA and cytogenetics Diagnostics Lab, Erasmus MC, Erasmus Medical Center
Classification: Likely benign. Review status: no assertion criteria provided. Collection method: clinical testing. Allele origin: germline. Affected: yes. Study: VKGL Data-share Consensus. Not counted in ClinVar's aggregate classification.

Laboratory of Diagnostic Genome Analysis, Leiden University Medical Center (LUMC)
Classification: Likely benign. Review status: no assertion criteria provided. Collection method: clinical testing. Allele origin: germline. Affected: yes. Study: VKGL Data-share Consensus. Not counted in ClinVar's aggregate classification.